The following is an entry in ClinVar:

NM_001267550.2(TTN):c.92176C>T (p.Pro30726Ser)

Genes: TTN (titin; minus strand), TTN-AS1 (TTN antisense RNA 1; plus strand). Cytogenetic location: 2q31.2.
Variant type: single nucleotide variant.
Coding change: c.92176C>T on transcript NM_001267550.2 (MANE Select); coding-DNA position 92176, C replaced by T.
Protein change: p.Pro30726Ser; replaces proline 30726 with serine.
Molecular consequence: missense variant.
Genome position (GRCh38, 1-based): chr2:178,549,450, G>A on the plus strand (C>T on the coding strand, the complement: TTN is on the minus strand). VCF-style: chr2-178549450-G-A. GRCh37 (hg19) VCF-style: chr2-179414177-G-A.
Other names: p.P29085S:CCA>TCA; p.Pro29085Ser; c.87253C>T, p.Pro29085Ser (NM_001256850.1); c.64981C>T, p.Pro21661Ser (NM_003319.4); c.84472C>T, p.Pro28158Ser (NM_133378.4); c.65356C>T, p.Pro21786Ser (NM_133432.3); c.65557C>T, p.Pro21853Ser (NM_133437.4); short protein forms P30726S, P28158S, P29085S, P21661S, P21853S, P21786S.
Identifiers: ClinVar variation 47520 (VCV000047520.81), dbSNP rs72648247, ClinGen allele CA141251.

ClinVar aggregate classification (germline): Conflicting classifications of pathogenicity. Review status: criteria provided, conflicting classifications (1 of 4 stars). 25 submissions from 24 submitters: Uncertain significance (2); Benign (5); Likely benign (11). 7 of the submissions do not count toward it. Last evaluated 2026-08-01.

Conditions:
TTN-related myopathy. Identifiers: MedGen CN294812, MONDO:0100175.
Dilated cardiomyopathy 1G (CMD1G). Identifiers: Orphanet 154, MedGen C1858763, MONDO:0011400, OMIM 604145.
Autosomal recessive limb-girdle muscular dystrophy type 2J (LGMDR10). Also called: MUSCULAR DYSTROPHY, LIMB-GIRDLE, AUTOSOMAL RECESSIVE 10; Limb-girdle muscular dystrophy, type 2J. Identifiers: Orphanet 140922, MedGen C1837342, MONDO:0012127, OMIM 608807.
TTN-related disorder. Also called: TTN-related disorders; TTN-related condition; TTN-related disease.
Cardiovascular phenotype. Identifiers: MedGen CN230736.
Cardiomyopathy (CMYO). Also called: Cardiomyopathies. Identifiers: Orphanet 167848, MedGen C0878544, MONDO:0004994, HP:0001638. Inheritance: Various modes of inheritance.
Early-onset myopathy with fatal cardiomyopathy (CMYO5). Also called: CONGENITAL MYOPATHY 5 WITH CARDIOMYOPATHY; Salih Myopathy. Identifiers: Orphanet 289377, MedGen C2673677, MONDO:0012714, OMIM 611705. Disease mechanism: loss of function.
Tip-toe gait. Also called: Toe walking. Identifiers: MedGen C0427144, HP:0030051.
Supraventricular tachycardia. Identifiers: MedGen C0039240, HP:0004755.

Allele frequency attached by ClinVar (database versions not stated): TOPMed 0.00172; ESP Exome Variant Server 0.00174; gnomAD 0.00184; 1000 Genomes Project 0.00200; 1000 Genomes Project 30x 0.00203.
gnomAD v4.1: 4,283 of 1,607,122 alleles (0.27%); highest among the groups gnomAD compares: Middle Eastern, 0.71%; 16 homozygotes.

Submissions 1 to 21 of 25:

CeGaT Center for Human Genetics Tuebingen
Classification: Likely benign. Last evaluated: 2026-08-01. Review status: criteria provided, single submitter. Criteria: CeGaT Center For Human Genetics Tuebingen Variant Classification Criteria Version 2. Collection method: clinical testing. Allele origin: germline. Affected: yes. Observed: 39 variant alleles.
Comment: TTN: BS2

Labcorp Genetics (formerly Invitae), Labcorp
Classification: Benign for Dilated cardiomyopathy 1G; Autosomal recessive limb-girdle muscular dystrophy type 2J. Last evaluated: 2026-02-04. Review status: criteria provided, single submitter. Criteria: Invitae Variant Classification Sherloc (09022015). Collection method: clinical testing. Allele origin: germline.

Mayo Clinic Laboratories, Mayo Clinic
Classification: Likely benign. Last evaluated: 2025-11-20. Review status: criteria provided, single submitter. Criteria: ACMG Guidelines, 2015. Collection method: clinical testing. Allele origin: germline. Observed: 15 variant alleles.
Comment: BS1

Molecular Diagnostic Laboratory for Inherited Cardiovascular Disease, Montreal Heart Institute
Classification: Likely benign. Last evaluated: 2025-04-09. Review status: criteria provided, single submitter. Criteria: ACMG Guidelines, 2015. Collection method: clinical testing. Allele origin: germline. Affected: no.

ARUP Laboratories, Molecular Genetics and Genomics, ARUP Laboratories
Classification: Likely benign. Last evaluated: 2025-01-22. Review status: criteria provided, single submitter. Criteria: ARUP Molecular Germline Variant Investigation Process 2024. Collection method: clinical testing. Allele origin: germline.

Blueprint Genetics
Classification: Likely benign. Last evaluated: 2024-11-25. Review status: criteria provided, single submitter. Criteria: ACMG Guidelines, 2015. Collection method: clinical testing. Allele origin: germline.

Ambry Genetics
Classification: Benign for Cardiovascular phenotype. Last evaluated: 2023-05-08. Review status: criteria provided, single submitter. Criteria: Ambry Autosomal Dominant and X-Linked criteria (10/2015). Collection method: clinical testing. Allele origin: germline. Observed: 1 variant allele.

Molecular Genetics, Royal Melbourne Hospital
Classification: Likely benign for TTN-related myopathy. Last evaluated: 2023-05-05. Review status: criteria provided, single submitter. Criteria: ACMG Guidelines, 2015. Collection method: clinical testing. Allele origin: germline. Affected: no.
Comment: South Asian population allele frequency is 0.5% (rs72648247, 159/30150 alleles, 1 homozygote in gnomAD v2.1) with a null REVEL score. Based on the classification scheme RMH Modified ACMG/AMP Guidelines v1.6.1, this variant is classified as LIKELY BENIGN. Following criteria are met: BS1

Neuberg Centre For Genomic Medicine, NCGM
Classification: Likely benign for Early-onset myopathy with fatal cardiomyopathy. Last evaluated: 2023-03-01. Review status: criteria provided, single submitter. Criteria: ACMG Guidelines, 2015. Collection method: clinical testing. Allele origin: germline. Inheritance: Autosomal recessive inheritance. Affected: yes.

Women's Health and Genetics/Laboratory Corporation of America, LabCorp
Classification: Benign. Last evaluated: 2020-12-04. Review status: criteria provided, single submitter. Criteria: LabCorp Variant Classification Summary - May 2015. Collection method: clinical testing. Allele origin: germline.
Comment: Variant summary: TTN c.84472C>T (p.Pro28158Ser) results in a non-conservative amino acid change located in the A-band of the encoded protein sequence. Five of five in-silico tools predict a damaging effect of the variant on protein function. The variant allele was found at a frequency of 0.0027 in 245714 control chromosomes in the gnomAD database, including 3 homozygotes. The observed variant frequency is approximately 4 fold of the estimated maximal expected allele frequency for a pathogenic variant in TTN causing Cardiomyopathy phenotype (0.00063), strongly suggesting that the variant is benign. Co-occurrences with a pathogenic variant has been reported (MYBPC3 c.3628-41_3628-17del25), providing supporting evidence for a benign role. Eight clinical diagnostic laboratories have submitted clinical-significance assessments for this variant to ClinVar after 2014 without evidence for independent evaluation. Multiple laboratories reported the variant with conflicting assessments (benign/likely benign n=6, VUS n=2). Based on the evidence outlined above, the variant was classified as benign.

CHEO Genetics Diagnostic Laboratory, Children's Hospital of Eastern Ontario
Classification: Benign for Cardiomyopathy. Last evaluated: 2019-10-28. Review status: criteria provided, single submitter. Criteria: ACMG Guidelines, 2015. Collection method: clinical testing. Allele origin: germline.

GeneDx
Classification: Benign. Last evaluated: 2018-04-24. Review status: criteria provided, single submitter. Criteria: GeneDx Variant Classification Process June 2021. Collection method: clinical testing. Allele origin: germline. Affected: yes.
Comment: This variant is associated with the following publications: (PMID: 24503780)

Illumina Laboratory Services, Illumina
Classification: Uncertain significance for Autosomal recessive limb-girdle muscular dystrophy type 2J. Last evaluated: 2018-01-13. Review status: criteria provided, single submitter. Criteria: ICSL Variant Classification Criteria 13 December 2019. Collection method: clinical testing. Allele origin: germline.

Illumina Laboratory Services, Illumina
Classification: Uncertain significance for Dilated cardiomyopathy 1G. Last evaluated: 2018-01-13. Review status: criteria provided, single submitter. Criteria: ICSL Variant Classification Criteria 13 December 2019. Collection method: clinical testing. Allele origin: germline.

Center for Advanced Laboratory Medicine, UC San Diego Health, University of California San Diego
Classification: Likely benign for Supraventricular tachycardia. Last evaluated: 2017-10-02. Review status: criteria provided, single submitter. Criteria: ACMG Guidelines, 2015. Collection method: clinical testing. Allele origin: germline. Affected: yes. Observed: 2 variant alleles.

Eurofins Ntd Llc (ga)
Classification: Likely benign. Last evaluated: 2015-07-31. Review status: criteria provided, single submitter. Criteria: EGL Classification Definitions 2015. Collection method: clinical testing. Allele origin: germline. Observed: 1 variant allele, 1 heterozygote.

Laboratory for Molecular Medicine, Mass General Brigham Personalized Medicine
Classification: Likely benign. Last evaluated: 2015-03-30. Review status: criteria provided, single submitter. Criteria: LMM Criteria. Collection method: clinical testing. Allele origin: germline. Observed: 16 variant alleles.
Comment: p.Pro28158Ser in exon 288 of TTN: This variant is not expected to have clinical significance because it has been identified in 0.5% (77/15570) of South Asian ch romosomes and 0.3% (199/65938) European chromosomes by the Exome Aggregation Con sortium (ExAC; dbSNP rs72648247).

Biesecker Lab/Clinical Genomics Section, National Institutes of Health
Classification: Likely benign. Last evaluated: 2013-06-24. Review status: criteria provided, single submitter. Criteria: Ng et al. (Circ Cardiovasc Genet. 2013). Collection method: research. Allele origin: unknown. Observed: 3 variant alleles. Study: ClinSeq.
Comment: The study set was not selected for affection status in relation to any cancer. Pathogenicity categories were based on literature curation. See Pubmed ID:23861362 for details.

Medical sequencing

PreventionGenetics, part of Exact Sciences
Classification: Likely benign for TTN-related condition. Last evaluated: 2019-06-13. Review status: no assertion criteria provided. Collection method: clinical testing. Allele origin: germline. Not counted in ClinVar's aggregate classification.
Comment: This variant is classified as likely benign based on ACMG/AMP sequence variant interpretation guidelines (Richards et al. 2015 PMID: 25741868, with internal and published modifications).

Clinical Genetics DNA and cytogenetics Diagnostics Lab, Erasmus MC, Erasmus Medical Center
Classification: Likely benign. Review status: no assertion criteria provided. Collection method: clinical testing. Allele origin: germline. Affected: yes. Study: VKGL Data-share Consensus. Not counted in ClinVar's aggregate classification.

Clinical Genetics, Academic Medical Center
Classification: Benign. Review status: no assertion criteria provided. Collection method: clinical testing. Allele origin: germline. Affected: yes. Study: VKGL Data-share Consensus. Not counted in ClinVar's aggregate classification.